The following is an entry in ClinVar:

ClinVar aggregate classification (germline): Likely pathogenic. Review status: criteria provided, single submitter (1 of 4 stars). 2 submissions from 2 submitters: Likely pathogenic (1). 1 of the submissions does not count toward it. Last evaluated 2023-06-20.

Conditions:
SLC4A1-related disorder. Also called: SLC4A1-related condition; SLC4A1-related disorders.

Submissions (2):

Revvity Omics, Revvity
Classification: Likely pathogenic. Last evaluated: 2023-06-20. Review status: criteria provided, single submitter. Criteria: ACMG Guidelines, 2015. Collection method: clinical testing. Allele origin: germline.

PreventionGenetics, part of Exact Sciences
Classification: Likely pathogenic for SLC4A1-related condition. Last evaluated: 2024-05-12. Review status: no assertion criteria provided. Collection method: clinical testing. Allele origin: germline. Not counted in ClinVar's aggregate classification.
Comment: The SLC4A1 c.1228delA variant is predicted to result in a frameshift and premature protein termination (p.Ile410Serfs*32). To our knowledge, this variant has not been reported in the literature or in a large population database, indicating this variant is rare. Nonsense variants in SLC4A1 are expected to be pathogenic. This variant is interpreted as likely pathogenic.

NM_000342.4(SLC4A1):c.1228del (p.Ile410fs)

Gene: SLC4A1 (solute carrier family 4 member 1 (Diego blood group); minus strand). Cytogenetic location: 17q21.31.
Variant type: Deletion.
Coding change: c.1228del on transcript NM_000342.4 (MANE Select); coding-DNA position 1228, one base deleted (A; older notation c.1228delA).
Protein change: p.Ile410fs; shifts the reading frame from isoleucine 410.
Molecular consequence: frameshift variant.
Genome position (GRCh38, 1-based): chr17:44,258,040, T deleted on the plus strand (A on the coding strand, the reverse complement: SLC4A1 is on the minus strand). VCF-style (leftmost placement, unchanged base first): chr17-44258039-AT-A. GRCh37 (hg19) VCF-style: chr17-42335407-AT-A.
Other names: short protein forms I410fs.
Identifiers: ClinVar variation 2630255 (VCV002630255.4), dbSNP rs2509966572, ClinGen allele CA2695200259.
Genomic context (GRCh38, chr17:44,258,039, plus strand): 5'-CACTGACCCAGGAGGCCGCCGAAGGTGATGGCGGGTGACAGTGCAGCAAAGTAGATGAAG[AT>A]GACGGCAGCCAGGACCTGGGGGCTGAATGCATCTGTGATGTCACTCAGGTAATAGGGGTA-3'